The following is an entry in ClinVar:

ClinVar aggregate classification (germline): Likely benign (1 of 4 stars; one submission).

Conditions:
Tuberous sclerosis 1 (TSC1). Identifiers: Orphanet 805, MedGen C1854465, MONDO:0008612, OMIM 191100.

Submission:

Myriad Genetics, Inc.
Classification: Likely benign for Tuberous sclerosis 1. Last evaluated: 2025-04-09. Review status: criteria provided, single submitter. Criteria: Myriad Autosomal Dominant, Autosomal Recessive and X-Linked Classification Criteria (2023). Collection method: clinical testing. Allele origin: unknown.
Comment: This variant is considered likely benign. This variant is intronic and is not expected to impact mRNA splicing.

NM_000368.5(TSC1):c.1438+6G>T

Gene: TSC1 (TSC complex subunit 1; minus strand). Cytogenetic location: 9q34.13.
Variant type: single nucleotide variant.
Coding change: c.1438+6G>T on transcript NM_000368.5 (MANE Select); 6 bases into the intron after coding-DNA position 1438, G replaced by T.
Molecular consequence: intron variant.
Genome position (GRCh38, 1-based): chr9:132,906,725, C>A on the plus strand (G>T on the coding strand, the complement: TSC1 is on the minus strand). VCF-style: chr9-132906725-C-A. GRCh37 (hg19) VCF-style: chr9-135782112-C-A.
Other names: c.1435+6G>T (NM_001406603.1, NM_001406609.1, NM_001406597.1 and 6 more transcripts); c.1438+6G>T (NM_001406602.1, NM_001406596.1, NM_001406592.1 and 7 more transcripts); c.1072+6G>T (NM_001406622.1, NM_001406620.1, NM_001406625.1 and 2 more transcripts); c.1282+6G>T (NM_001406611.1, NM_001406613.1, NM_001406612.1); c.1285+6G>T (NM_001162427.2, NM_001406610.1); c.1075+6G>T (NM_001362177.2, NM_001406614.1, NM_001406619.1 and 5 more transcripts); c.484+6G>T (NM_001406627.1, NM_001406628.1); c.385+6G>T (NM_001406629.1, NM_001406630.1); and 1 more.
Identifiers: ClinVar variation 4071289 (VCV004071289.1).